The following is an entry in ClinVar:

ClinVar aggregate classification (germline): Uncertain significance (1 of 4 stars; one submission).

Conditions:
Familial hypobetalipoproteinemia 1. Also called: APOB-Related Familial Hypobetalipoproteinemia; Hypobetalipoproteinemia, normotriglyceridemic; Acanthocytosis with hypobetalipoproteinemia. Identifiers: MedGen C4551990, MONDO:0014252, OMIM 615558.
Hypercholesterolemia, autosomal dominant, type B (FHCL2). Also called: Familial Hypercholesterolemia Type B; APOLIPOPROTEIN B-100, FAMILIAL DEFECTIVE; APOLIPOPROTEIN B-100, FAMILIAL LIGAND-DEFECTIVE; HYPERCHOLESTEROLEMIA, FAMILIAL, DUE TO LIGAND-DEFECTIVE APOLIPOPROTEIN B; Hyperlipoproteinemia Type IIb; Familial hypercholesterolemia 2. Identifiers: MedGen C1704417, MONDO:0007751, OMIM 144010.

gnomAD v4.1: 3 of 1,613,962 alleles (0.00019%); highest among the groups gnomAD compares: Non-Finnish European, 0.00025%; no homozygotes.

Submission:

Labcorp Genetics (formerly Invitae), Labcorp
Classification: Uncertain significance for Familial hypobetalipoproteinemia 1; Hypercholesterolemia, autosomal dominant, type B. Last evaluated: 2024-07-03. Review status: criteria provided, single submitter. Criteria: Invitae Variant Classification Sherloc (09022015). Collection method: clinical testing. Allele origin: germline.
Comment: This sequence change replaces leucine, which is neutral and non-polar, with proline, which is neutral and non-polar, at codon 2913 of the APOB protein (p.Leu2913Pro). This variant is not present in population databases (gnomAD no frequency). This variant has not been reported in the literature in individuals affected with APOB-related conditions. Advanced modeling of protein sequence and biophysical properties (such as structural, functional, and spatial information, amino acid conservation, physicochemical variation, residue mobility, and thermodynamic stability) performed at Invitae indicates that this missense variant is not expected to disrupt APOB protein function with a negative predictive value of 95%. In summary, the available evidence is currently insufficient to determine the role of this variant in disease. Therefore, it has been classified as a Variant of Uncertain Significance.

NM_000384.3(APOB):c.8738T>C (p.Leu2913Pro)

Gene: APOB (apolipoprotein B; minus strand). Cytogenetic location: 2p24.1.
Variant type: single nucleotide variant.
Coding change: c.8738T>C on transcript NM_000384.3 (MANE Select); coding-DNA position 8738, T replaced by C.
Protein change: p.Leu2913Pro; replaces leucine 2913 with proline.
Molecular consequence: missense variant.
Genome position (GRCh38, 1-based): chr2:21,008,130, A>G on the plus strand (T>C on the coding strand, the complement: APOB is on the minus strand). VCF-style: chr2-21008130-A-G. GRCh37 (hg19) VCF-style: chr2-21231002-A-G.
Other names: short protein forms L2913P.
Identifiers: ClinVar variation 3755887 (VCV003755887.2).